The following is an entry in ClinVar:

NM_031307.4(PUS3):c.1417G>A (p.Val473Ile)

Genes: HYLS1 (HYLS1 centriolar and ciliogenesis associated; plus strand), PUS3 (pseudouridine synthase 3; minus strand). Cytogenetic location: 11q24.2.
Variant type: single nucleotide variant.
Coding change: c.1417G>A on transcript NM_031307.4 (MANE Select); coding-DNA position 1417, G replaced by A.
Protein change: p.Val473Ile; replaces valine 473 with isoleucine.
Molecular consequence: missense variant. On other transcripts: intron variant (5).
Genome position (GRCh38, 1-based): chr11:125,893,814, C>T on the plus strand (G>A on the coding strand, the complement: PUS3 is on the minus strand). VCF-style: chr11-125893814-C-T. GRCh37 (hg19) VCF-style: chr11-125763709-C-T.
Other names: c.793G>A, p.Val265Ile (NM_001271985.2); c.-81+2342C>T (NM_145014.3); c.-26+2342C>T (NM_001134793.2); c.-23+2342C>T (NM_001424364.1); c.-25-5530C>T (NM_001377269.1); c.-22-5533C>T (NM_001377270.1); short protein forms V265I, V473I.
Identifiers: ClinVar variation 3390344 (VCV003390344.14).
Genomic context (GRCh38, chr11:125,893,814, plus strand): 5'-TGGTTCCTAGATCCTGGCAAATTGTCTATGGTTAAATGATGCTTTTAATTTCTGTGTCAA[C>T]ACAGACCCTCTTCGTTGGTGTCTCCAAATTAGTATTCTCTTCCTCTAGTGTGTCATTACA-3'
Protein context (NP_112597.4, residues 463-481): NLETPTKRVC[Val473Ile]DTEIKSII

ClinVar aggregate classification (germline): Likely benign (1 of 4 stars; one submission).

gnomAD v4.1: 12 of 1,613,566 alleles (0.00074%); highest among the groups gnomAD compares: South Asian, 0.0099%; 1 homozygote.

Submission:

CeGaT Center for Human Genetics Tuebingen
Classification: Likely benign. Last evaluated: 2024-11-01. Review status: criteria provided, single submitter. Criteria: CeGaT Center For Human Genetics Tuebingen Variant Classification Criteria Version 2. Collection method: clinical testing. Allele origin: germline. Affected: yes. Observed: 1 variant allele.
Comment: PUS3: BP4, BS2